The following is an entry in ClinVar:

ClinVar aggregate classification (germline): Pathogenic (1 of 4 stars; one submission).

Conditions:
Griscelli syndrome type 2 (GS2). Also called: PARTIAL ALBINISM AND IMMUNODEFICIENCY SYNDROME; GRISCELLI SYNDROME WITH HEMOPHAGOCYTIC SYNDROME; PAID SYNDROME. Identifiers: Orphanet 381, Orphanet 79477, MedGen C1868679, MONDO:0011872, OMIM 607624.

Submission:

Labcorp Genetics (formerly Invitae), Labcorp
Classification: Pathogenic for Griscelli syndrome type 2. Last evaluated: 2018-10-30. Review status: criteria provided, single submitter. Criteria: Invitae Variant Classification Sherloc (09022015). Collection method: clinical testing. Allele origin: germline.
Comment: For these reasons, this variant has been classified as Pathogenic. Loss-of-function variants in RAB27A are known to be pathogenic (PMID: 10835631, 23160464). A similar deletion of exons 2-5 has been observed in an individual affected with¬†primary hemophagocytic lymphohistiocytosis¬†(PMID:¬†16278825). This variant is a gross deletion of the genomic region encompassing exons 2-5 of the RAB27A gene, which includes the initiator codon. The 5' end of this event is unknown as it extends beyond the assayed region for this gene and therefore may encompass additional genes. The 3' boundary is likely confined to intron 5 of the RAB27A gene. This is expected to result in an absent or disrupted protein product.

Literature cited by the submitters: PubMed 10835631; PubMed 23160464.

NC_000015.10:g.(?_55223869)_(55234954_?)del

Gene: RAB27A (RAB27A, member RAS oncogene family; minus strand). Cytogenetic location: 15q21.3.
Variant type: Deletion.
Identifiers: ClinVar variation 641551 (VCV000641551.7).